The following is an entry in ClinVar:

ClinVar aggregate classification (germline): Likely pathogenic (1 of 4 stars; one submission).

Submission:

Labcorp Genetics (formerly Invitae), Labcorp
Classification: Likely pathogenic. Last evaluated: 2023-04-18. Review status: criteria provided, single submitter. Criteria: Invitae Variant Classification Sherloc (09022015). Collection method: clinical testing. Allele origin: germline.
Comment: In summary, the currently available evidence indicates that the variant is pathogenic, but additional data are needed to prove that conclusively. Therefore, this variant has been classified as Likely Pathogenic. Algorithms developed to predict the effect of sequence changes on RNA splicing suggest that this variant may disrupt the consensus splice site. This variant has not been reported in the literature in individuals affected with POLE-related conditions. This variant is not present in population databases (gnomAD no frequency). This sequence change affects an acceptor splice site in intron 11 of the POLE gene. It is expected to disrupt RNA splicing. Variants that disrupt the donor or acceptor splice site typically lead to a loss of protein function (PMID: 16199547), and loss-of-function variants in POLE are known to be pathogenic (PMID: 23230001, 25948378, 30503519).

Literature cited by the submitters: PubMed 16199547; PubMed 23230001; PubMed 25948378; PubMed 30503519.

NM_006231.4(POLE):c.1107-1G>T

Gene: POLE (DNA polymerase epsilon, catalytic subunit; minus strand). Cytogenetic location: 12q24.33.
Variant type: single nucleotide variant.
Coding change: c.1107-1G>T on transcript NM_006231.4 (MANE Select); the canonical splice acceptor site of the intron before coding-DNA position 1107, G replaced by T.
Molecular consequence: splice acceptor variant.
Genome position (GRCh38, 1-based): chr12:132,675,518, C>A on the plus strand (G>T on the coding strand, the complement: POLE is on the minus strand). VCF-style: chr12-132675518-C-A. GRCh37 (hg19) VCF-style: chr12-133252104-C-A.
Identifiers: ClinVar variation 2857357 (VCV002857357.3), dbSNP rs2043027502, ClinGen allele CA387361245.